The following is an entry in ClinVar:

NM_006379.5(SEMA3C):c.1209C>T (p.Asn403=)

Gene: SEMA3C (semaphorin 3C; minus strand). Cytogenetic location: 7q21.11.
Variant type: single nucleotide variant.
Coding change: c.1209C>T on transcript NM_006379.5 (MANE Select); coding-DNA position 1209, C replaced by T.
Protein change: p.Asn403=; no amino-acid change (asparagine 403 retained).
Molecular consequence: synonymous variant.
Genome position (GRCh38, 1-based): chr7:80,789,451, G>A on the plus strand (C>T on the coding strand, the complement: SEMA3C is on the minus strand). VCF-style: chr7-80789451-G-A. GRCh37 (hg19) VCF-style: chr7-80418767-G-A.
Other names: c.1263C>T, p.Asn421= (NM_001350120.2); c.1035C>T, p.Asn345= (NM_001350121.2); c.1263C>T (NM_001350120.1).
Identifiers: ClinVar variation 728389 (VCV000728389.5), dbSNP rs752682629, ClinGen allele CA4316184.

ClinVar aggregate classification (germline): Likely benign. Review status: criteria provided, single submitter (1 of 4 stars). 2 submissions from 2 submitters: Likely benign (1). 1 of the submissions does not count toward it. Last evaluated 2017-10-23.

Conditions:
SEMA3C-related disorder. Also called: SEMA3C-related condition.

Allele frequency attached by ClinVar (database versions not stated): gnomAD exomes 0.00003 and 0.00005; ExAC 0.00004; gnomAD 0.00004 and 0.00006; TOPMed 0.00005.
gnomAD v4.1: 24 of 1,613,904 alleles (0.0015%); highest among the groups gnomAD compares: Admixed American, 0.032%; no homozygotes.

Submissions (2):

Labcorp Genetics (formerly Invitae), Labcorp
Classification: Likely benign. Last evaluated: 2017-10-23. Review status: criteria provided, single submitter. Criteria: Invitae Variant Classification Sherloc (09022015). Collection method: clinical testing. Allele origin: germline.

PreventionGenetics, part of Exact Sciences
Classification: Likely benign for SEMA3C-related condition. Last evaluated: 2022-01-31. Review status: no assertion criteria provided. Collection method: clinical testing. Allele origin: germline. Not counted in ClinVar's aggregate classification.
Comment: This variant is classified as likely benign based on ACMG/AMP sequence variant interpretation guidelines (Richards et al. 2015 PMID: 25741868, with internal and published modifications).